The following is an entry in ClinVar:

ClinVar aggregate classification (germline): Likely pathogenic (1 of 4 stars; one submission).

Conditions:
Gorlin syndrome. Also called: Nevoid Basal Cell Carcinoma Syndrome; Basal cell nevus syndrome. Identifiers: Orphanet 377, MedGen C0004779, MONDO:0007187.
Medulloblastoma (MDB). Also called: Medulloblastoma, somatic; MEDULLOBLASTOMA PREDISPOSITION SYNDROME. Identifiers: Orphanet 616, MedGen C0025149, MeSH D008527, MONDO:0007959, OMIM 155255, HP:0002885.

Submissions (2):

Labcorp Genetics (formerly Invitae), Labcorp
Classification: Likely pathogenic for Gorlin syndrome; Medulloblastoma. Last evaluated: 2025-06-15. Review status: criteria provided, single submitter. Criteria: Invitae Variant Classification Sherloc (09022015). Collection method: clinical testing. Allele origin: germline.
Comment: This sequence change affects an acceptor splice site in intron 8 of the SUFU gene. It is expected to disrupt RNA splicing. Variants that disrupt the donor or acceptor splice site typically lead to a loss of protein function (PMID: 16199547), and loss-of-function variants in SUFU are known to be pathogenic (PMID: 22508808, 25403219, 33024317). This variant is not present in population databases (gnomAD no frequency). Disruption of this splice site has been observed in individual(s) with SUFU-related conditions (PMID: 34675124). Algorithms developed to predict the effect of sequence changes on RNA splicing suggest that this variant may disrupt the consensus splice site. In summary, the currently available evidence indicates that the variant is pathogenic, but additional data are needed to prove that conclusively. Therefore, this variant has been classified as Likely Pathogenic.

Dr. Peter K. Rogan Lab, Western University
No classification provided (evidence only). Condition: Ovarian serous cystadenocarcinoma. Review status: no classification provided. Collection method: in vitro. Allele origin: not applicable. Functional consequence: retained intron. Not counted in ClinVar's aggregate classification.

Literature cited by the submitters: PubMed 16199547 (cited by Labcorp Genetics (formerly Invitae), Labcorp); PubMed 22508808 (cited by Labcorp Genetics (formerly Invitae), Labcorp); PubMed 25403219 (cited by Labcorp Genetics (formerly Invitae), Labcorp); PubMed 33024317 (cited by Labcorp Genetics (formerly Invitae), Labcorp); PubMed 34675124 (cited by Labcorp Genetics (formerly Invitae), Labcorp).

NM_016169.4(SUFU):c.1023-2A>G

Gene: SUFU (SUFU negative regulator of hedgehog signaling; plus strand). Cytogenetic location: 10q24.32.
Variant type: single nucleotide variant.
Coding change: c.1023-2A>G on transcript NM_016169.4 (MANE Select); the canonical splice acceptor site of the intron before coding-DNA position 1023, A replaced by G.
Molecular consequence: splice acceptor variant.
Genome position (GRCh38, 1-based): chr10:102,615,266, A>G. VCF-style: chr10-102615266-A-G. GRCh37 (hg19) VCF-style: chr10-104375023-A-G.
Other names: NC_000010.10:g.104375023A>G; c.1023-2A>G (NM_001178133.2).
Identifiers: ClinVar variation 4359419 (VCV004359419.2).
Genomic context (GRCh38, chr10:102,615,266, plus strand): 5'-CATCTTGCTCCTCCCTGAGCTTTTCACCTTGTGCCGAACCTTTTCCTGTGCTTGCTTCAC[A>G]GGAGCCGCAAAGACAGCCTGGAAAGTGACAGCTCCACGGCCATCATTCCCCATGAGCTGA-3'